The following is an entry in ClinVar:

ClinVar aggregate classification (germline): Uncertain significance (1 of 4 stars; one submission).

Conditions:
Inborn genetic diseases. Identifiers: MedGen C0950123, MeSH D030342.

Allele frequency attached by ClinVar (database versions not stated): TOPMed below 0.00001; gnomAD exomes 0.00001.
gnomAD v4.1: 11 of 1,614,164 alleles (0.00068%); highest among the groups gnomAD compares: Middle Eastern, 0.016%; no homozygotes.

Submission:

Ambry Genetics
Classification: Uncertain significance for Inborn genetic diseases. Last evaluated: 2023-07-18. Review status: criteria provided, single submitter. Criteria: Ambry Variant Classification Scheme 2023. Collection method: clinical testing. Allele origin: germline.
Comment: The c.4892G>A (p.R1631Q) alteration is located in exon 9 (coding exon 7) of the ANKRD11 gene. This alteration results from a G to A substitution at nucleotide position 4892, causing the arginine (R) at amino acid position 1631 to be replaced by a glutamine (Q). This variant was not reported in population-based cohorts in the Genome Aggregation Database (gnomAD). This variant has been identified in one individual with failure to thrive, growth delay/short stature, microcephaly, tetralogy of Fallot, global developmental delays/intellectual disability, hypotonia, and dysmorphic facial features (Monies, 2017). This amino acid position is highly conserved in available vertebrate species. This alteration is predicted to be tolerated by in silico analysis. Based on insufficient or conflicting evidence, the clinical significance of this alteration remains unclear.

Literature cited by the submitters: PubMed 28600779.

NM_013275.6(ANKRD11):c.4892G>A (p.Arg1631Gln)

Gene: ANKRD11 (ankyrin repeat domain containing 11; minus strand). Cytogenetic location: 16q24.3.
Variant type: single nucleotide variant.
Coding change: c.4892G>A on transcript NM_013275.6 (MANE Select); coding-DNA position 4892, G replaced by A.
Protein change: p.Arg1631Gln; replaces arginine 1631 with glutamine.
Molecular consequence: missense variant.
Genome position (GRCh38, 1-based): chr16:89,281,650, C>T on the plus strand (G>A on the coding strand, the complement: ANKRD11 is on the minus strand). VCF-style: chr16-89281650-C-T. GRCh37 (hg19) VCF-style: chr16-89348058-C-T.
Other names: c.4892G>A, p.Arg1631Gln (NM_001256182.2, NM_001256183.2); short protein forms R1631Q.
Identifiers: ClinVar variation 2321827 (VCV002321827.3), dbSNP rs886568838, ClinGen allele CA286515268.